The following is an entry in ClinVar:

NM_002317.7(LOX):c.691A>T (p.Met231Leu)

Genes: LOX (lysyl oxidase; minus strand), SRFBP1 (serum response factor binding protein 1; plus strand). Cytogenetic location: 5q23.1.
Variant type: single nucleotide variant.
Coding change: c.691A>T on transcript NM_002317.7 (MANE Select); coding-DNA position 691, A replaced by T.
Protein change: p.Met231Leu; replaces methionine 231 with leucine.
Molecular consequence: missense variant. On other transcripts: initiator codon variant (1), intron variant (1).
Genome position (GRCh38, 1-based): chr5:122,076,942, T>A on the plus strand (A>T on the coding strand, the complement: LOX is on the minus strand). VCF-style: chr5-122076942-T-A. GRCh37 (hg19) VCF-style: chr5-121412637-T-A.
Other names: c.1A>T, p.Met1Leu (NM_001178102.2); c.-152+150A>T (NM_001317073.1); short protein forms M1L, M231L.
Identifiers: ClinVar variation 4710009 (VCV004710009.1).
Genomic context (GRCh38, chr5:122,076,942, plus strand): 5'-TCAGCCCGTACCTGGCCAGACAGTTTTCCTCCGCCGCGCATCTCAGGTTGTACATGGACA[T>A]CTTCTGCACGTACGTGGACGCCTGGATGTAGTAGGGGTCGGCCACCAGGTCTGGGAGACC-3'
Protein context (NP_002308.2, residues 221-241): YIQASTYVQK[Met231Leu]SMYNLRCAAE

ClinVar aggregate classification (germline): Uncertain significance (1 of 4 stars; one submission).

Submission:

Labcorp Genetics (formerly Invitae), Labcorp
Classification: Uncertain significance. Last evaluated: 2025-02-10. Review status: criteria provided, single submitter. Criteria: Invitae Variant Classification Sherloc (09022015). Collection method: clinical testing. Allele origin: germline.
Comment: This sequence change replaces methionine, which is neutral and non-polar, with leucine, which is neutral and non-polar, at codon 231 of the LOX protein (p.Met231Leu). This variant is not present in population databases (gnomAD no frequency). This variant has not been reported in the literature in individuals affected with LOX-related conditions. Invitae Evidence Modeling of protein sequence and biophysical properties (such as structural, functional, and spatial information, amino acid conservation, physicochemical variation, residue mobility, and thermodynamic stability) indicates that this missense variant is not expected to disrupt LOX protein function with a negative predictive value of 95%. In summary, the available evidence is currently insufficient to determine the role of this variant in disease. Therefore, it has been classified as a Variant of Uncertain Significance.